The following is an entry in ClinVar:

ClinVar aggregate classification (germline): Uncertain significance (1 of 4 stars; one submission).

Conditions:
Spastic paraplegia. Identifiers: MedGen C0037772, HP:0001258.

gnomAD v4.1: 1 of 1,610,644 alleles (0.000062%); highest among the groups gnomAD compares: Non-Finnish European, 0.000085%; no homozygotes.

Submission:

Labcorp Genetics (formerly Invitae), Labcorp
Classification: Uncertain significance for Spastic paraplegia. Last evaluated: 2021-09-08. Review status: criteria provided, single submitter. Criteria: Invitae Variant Classification Sherloc (09022015). Collection method: clinical testing. Allele origin: germline.
Comment: This sequence change replaces serine with cysteine at codon 115 of the CYP7B1 protein (p.Ser115Cys). The serine residue is moderately conserved and there is a moderate physicochemical difference between serine and cysteine. This variant is not present in population databases (ExAC no frequency). This variant has not been reported in the literature in individuals affected with CYP7B1-related conditions. Algorithms developed to predict the effect of missense changes on protein structure and function are either unavailable or do not agree on the potential impact of this missense change (SIFT: "Deleterious"; PolyPhen-2: "Benign"; Align-GVGD: "Class C15"). In summary, the available evidence is currently insufficient to determine the role of this variant in disease. Therefore, it has been classified as a Variant of Uncertain Significance.

NM_004820.5(CYP7B1):c.344C>G (p.Ser115Cys)

Gene: CYP7B1 (cytochrome P450 family 7 subfamily B member 1; minus strand). Cytogenetic location: 8q12.3.
Variant type: single nucleotide variant.
Coding change: c.344C>G on transcript NM_004820.5 (MANE Select); coding-DNA position 344, C replaced by G.
Protein change: p.Ser115Cys; replaces serine 115 with cysteine.
Molecular consequence: missense variant.
Genome position (GRCh38, 1-based): chr8:64,616,197, G>C on the plus strand (C>G on the coding strand, the complement: CYP7B1 is on the minus strand). VCF-style: chr8-64616197-G-C. GRCh37 (hg19) VCF-style: chr8-65528754-G-C.
Other names: c.344C>G, p.Ser115Cys (NM_001324112.2); short protein forms S115C.
Identifiers: ClinVar variation 652595 (VCV000652595.4), dbSNP rs762579939, ClinGen allele CA371336091.